The following is an entry in ClinVar:

NM_018026.4(PACS1):c.1626+8T>C

Gene: PACS1 (phosphofurin acidic cluster sorting protein 1; plus strand). Cytogenetic location: 11q13.2.
Variant type: single nucleotide variant.
Coding change: c.1626+8T>C on transcript NM_018026.4 (MANE Select); 8 bases into the intron after coding-DNA position 1626, T replaced by C.
Molecular consequence: intron variant.
Genome position (GRCh38, 1-based): chr11:66,230,948, T>C. VCF-style: chr11-66230948-T-C. GRCh37 (hg19) VCF-style: chr11-65998419-T-C.
Identifiers: ClinVar variation 4085153 (VCV004085153.8).
Genomic context (GRCh38, chr11:66,230,948, plus strand): 5'-GGACCAACAGTTCCGACAGCGAGCGCTCCCCAGATCTGGGCCACAGCACGCAGGTACTTC[T>C]GGGTGCCCCCAAAACACCAGGACCCTCTGAGATTCCCTGAACTTCAGGCTCTGTTTTGTT-3'

ClinVar aggregate classification (germline): Uncertain significance (1 of 4 stars; one submission).

Submission:

CeGaT Center for Human Genetics Tuebingen
Classification: Uncertain significance. Last evaluated: 2025-06-01. Review status: criteria provided, single submitter. Criteria: CeGaT Center For Human Genetics Tuebingen Variant Classification Criteria Version 2. Collection method: clinical testing. Allele origin: germline. Affected: yes. Observed: 1 variant allele.
Comment: PACS1: PM2, BP4